The following is an entry in ClinVar:

ClinVar aggregate classification (germline): Uncertain significance (1 of 4 stars; one submission).

Conditions:
Hereditary cancer-predisposing syndrome. Also called: Hereditary neoplastic syndrome; Hereditary Cancer Syndrome; Neoplastic Syndromes, Hereditary; Tumor predisposition. Identifiers: Orphanet 140162, MedGen C0027672, MeSH D009386, MONDO:0015356.

Submission:

Color Diagnostics, LLC DBA Color Health
Classification: Uncertain significance for Hereditary cancer-predisposing syndrome. Last evaluated: 2024-03-06. Review status: criteria provided, single submitter. Criteria: ACMG Guidelines, 2015. Collection method: clinical testing. Allele origin: germline.
Comment: This missense variant replaces threonine with serine at codon 2546 of the APC protein. Computational prediction suggests that this variant may not impact protein structure and function (internally defined REVEL score threshold <= 0.5, PMID: 27666373). To our knowledge, functional studies have not been reported for this variant. This variant has not been reported in individuals affected with hereditary cancer in the literature. This variant has not been identified in the general population by the Genome Aggregation Database (gnomAD). The available evidence is insufficient to determine the role of this variant in disease conclusively. Therefore, this variant is classified as a Variant of Uncertain Significance.

NM_000038.6(APC):c.7637C>G (p.Thr2546Ser)

Gene: APC (APC regulator of Wnt signaling pathway; plus strand). Cytogenetic location: 5q22.2.
Variant type: single nucleotide variant.
Coding change: c.7637C>G on transcript NM_000038.6 (MANE Select); coding-DNA position 7637, C replaced by G.
Protein change: p.Thr2546Ser; replaces threonine 2546 with serine.
Molecular consequence: missense variant. On other transcripts: non-coding transcript variant (2).
Genome position (GRCh38, 1-based): chr5:112,843,231, C>G. VCF-style: chr5-112843231-C-G. GRCh37 (hg19) VCF-style: chr5-112178928-C-G.
Other names: c.7637C>G, p.Thr2546Ser (NM_001127510.3, NM_001354895.2, NM_001407450.1); c.7583C>G, p.Thr2528Ser (NM_001127511.3); c.7691C>G, p.Thr2564Ser (NM_001354896.2, NM_001407447.1, NM_001407448.1 and 1 more transcripts); c.7667C>G, p.Thr2556Ser (NM_001354897.2); c.7562C>G, p.Thr2521Ser (NM_001354898.2); c.7553C>G, p.Thr2518Ser (NM_001354899.2); c.7514C>G, p.Thr2505Ser (NM_001354900.2); c.7460C>G, p.Thr2487Ser (NM_001354901.2, NM_001407453.1); and 11 more; short protein forms T2263S, T2386S, T2417S, T2445S, T2505S, T2521S, T2539S, T2556S.
Identifiers: ClinVar variation 2773648 (VCV002773648.2), dbSNP rs2149991051, ClinGen allele CA16037919.